The following is an entry in ClinVar:

NM_000135.4(FANCA):c.1359+4A>T

Gene: FANCA (FA complementation group A; minus strand). Cytogenetic location: 16q24.3.
Variant type: single nucleotide variant.
Coding change: c.1359+4A>T on transcript NM_000135.4 (MANE Select); 4 bases into the intron after coding-DNA position 1359, A replaced by T.
Molecular consequence: intron variant.
Genome position (GRCh38, 1-based): chr16:89,791,399, T>A on the plus strand (A>T on the coding strand, the complement: FANCA is on the minus strand). VCF-style: chr16-89791399-T-A. GRCh37 (hg19) VCF-style: chr16-89857807-T-A.
Other names: c.1359+4A>T (NM_001286167.3).
Identifiers: ClinVar variation 1034712 (VCV001034712.6), dbSNP rs35476732, ClinGen allele CA286591929.

ClinVar aggregate classification (germline): Uncertain significance. Review status: criteria provided, multiple submitters, no conflicts (2 of 4 stars). 3 submissions from 3 submitters: Uncertain significance (2). 1 of the submissions does not count toward it. Last evaluated 2021-10-07.

Conditions:
Fanconi anemia complementation group A (FANCA). Also called: Fanconi anemia, group A; FANCA-Related Fanconi Anemia. Identifiers: Orphanet 84, MedGen C3469521, MONDO:0009215, OMIM 227650.
Fanconi anemia (FA). Also called: Fanconi's anemia. Identifiers: Orphanet 84, MedGen C0015625, MeSH D005199, MONDO:0019391.

Allele frequency attached by ClinVar (database versions not stated): TOPMed 0.00002.
gnomAD v4.1: 5 of 1,613,646 alleles (0.00031%); highest among the groups gnomAD compares: African/African-American, 0.0053%; no homozygotes.

Submissions (3):

Fulgent Genetics
Classification: Uncertain significance for Fanconi anemia complementation group A. Last evaluated: 2021-10-07. Review status: criteria provided, single submitter. Criteria: ACMG Guidelines, 2015. Collection method: clinical testing. Allele origin: unknown.

Labcorp Genetics (formerly Invitae), Labcorp
Classification: Uncertain significance for Fanconi anemia. Last evaluated: 2020-07-26. Review status: criteria provided, single submitter. Criteria: Invitae Variant Classification Sherloc (09022015). Collection method: clinical testing. Allele origin: germline.
Comment: This sequence change falls in intron 14 of the FANCA gene. It does not directly change the encoded amino acid sequence of the FANCA protein, but it affects a nucleotide within the consensus splice site of the intron. This variant is not present in population databases (ExAC no frequency). This variant has not been reported in the literature in individuals with FANCA-related conditions. Nucleotide substitutions within the consensus splice site are a relatively common cause of aberrant splicing (PMID: 17576681, 9536098). Algorithms developed to predict the effect of sequence changes on RNA splicing suggest that this variant is not likely to affect RNA splicing, but this prediction has not been confirmed by published transcriptional studies. In summary, the available evidence is currently insufficient to determine the role of this variant in disease. Therefore, it has been classified as a Variant of Uncertain Significance.

Natera, Inc.
Classification: Uncertain significance for Fanconi anemia. Last evaluated: 2021-01-21. Review status: no assertion criteria provided. Collection method: clinical testing. Allele origin: germline. Not counted in ClinVar's aggregate classification.

Literature cited by the submitters: PubMed 17576681 (cited by Labcorp Genetics (formerly Invitae), Labcorp); PubMed 9536098 (cited by Labcorp Genetics (formerly Invitae), Labcorp).